The following is an entry in ClinVar:

ClinVar aggregate classification (germline): Likely benign. Review status: criteria provided, multiple submitters, no conflicts (2 of 4 stars). 2 submissions from 2 submitters: Likely benign (2). Last evaluated 2024-01-26.

Conditions:
Amyotrophic lateral sclerosis type 4 (ALS4). Also called: AMYOTROPHIC LATERAL SCLEROSIS 4, JUVENILE; NEURONOPATHY, DISTAL HEREDITARY MOTOR, WITH PYRAMIDAL FEATURES. Identifiers: Orphanet 357043, MedGen C1865409, MONDO:0011223, OMIM 602433.
Spinocerebellar ataxia, autosomal recessive, with axonal neuropathy 2 (SCAN2). Also called: ATAXIA-OCULOMOTOR APRAXIA 2; Ataxia-ocular apraxia-2; Ataxia with Oculomotor Apraxia Type 2; Ataxia with Oculomotor Apraxia. Identifiers: Orphanet 64753, MedGen C1853761, MONDO:0018996, OMIM 606002.

Allele frequency attached by ClinVar (database versions not stated): gnomAD 0.00001; gnomAD exomes 0.00001; ExAC 0.00002; TOPMed 0.00002.
gnomAD v4.1: 10 of 1,614,058 alleles (0.00062%); highest among the groups gnomAD compares: East Asian, 0.02%; no homozygotes.

Submissions (2):

Labcorp Genetics (formerly Invitae), Labcorp
Classification: Likely benign for Amyotrophic lateral sclerosis type 4; Spinocerebellar ataxia, autosomal recessive, with axonal neuropathy 2. Last evaluated: 2024-01-26. Review status: criteria provided, single submitter. Criteria: Invitae Variant Classification Sherloc (09022015). Collection method: clinical testing. Allele origin: germline.

CeGaT Center for Human Genetics Tuebingen
Classification: Likely benign. Last evaluated: 2023-10-01. Review status: criteria provided, single submitter. Criteria: CeGaT Center For Human Genetics Tuebingen Variant Classification Criteria Version 2. Collection method: clinical testing. Allele origin: germline. Affected: yes. Observed: 1 variant allele.
Comment: SETX: BP4, BP7

NM_015046.7(SETX):c.6486A>G (p.Leu2162=)

Gene: SETX (senataxin; minus strand). Cytogenetic location: 9q34.13.
Variant type: single nucleotide variant.
Coding change: c.6486A>G on transcript NM_015046.7 (MANE Select); coding-DNA position 6486, A replaced by G.
Protein change: p.Leu2162=; no amino-acid change (leucine 2162 retained).
Molecular consequence: synonymous variant.
Genome position (GRCh38, 1-based): chr9:132,283,324, T>C on the plus strand (A>G on the coding strand, the complement: SETX is on the minus strand). VCF-style: chr9-132283324-T-C. GRCh37 (hg19) VCF-style: chr9-135158711-T-C.
Other names: c.6486A>G, p.Leu2162= (NM_001351527.2, NM_001351528.2).
Identifiers: ClinVar variation 2583071 (VCV002583071.28), dbSNP rs765459218, ClinGen allele CA5296703.